The following is an entry in ClinVar:

NM_005876.5(SPEG):c.580G>A (p.Val194Ile)

Gene: SPEG (striated muscle enriched protein kinase; plus strand). Cytogenetic location: 2q35.
Variant type: single nucleotide variant.
Coding change: c.580G>A on transcript NM_005876.5 (MANE Select); coding-DNA position 580, G replaced by A.
Protein change: p.Val194Ile; replaces valine 194 with isoleucine.
Molecular consequence: missense variant.
Genome position (GRCh38, 1-based): chr2:219,444,926, G>A. VCF-style: chr2-219444926-G-A. GRCh37 (hg19) VCF-style: chr2-220309648-G-A.
Other names: c.580G>A (NM_005876.4); short protein forms V194I.
Identifiers: ClinVar variation 3672111 (VCV003672111.3).
Genomic context (GRCh38, chr2:219,444,926, plus strand): 5'-CCGACCTCCGTGACAGGCACCTCAGAGGAGCAAGTGAGCTGGTGGGGCAGCGGGCAGACG[G>A]TCCTGGAGCAGGAAGCGGGCAGTGGGGGTGGCACCCGCCGCCTCCCGGGCAGCCCAAGGC-3'
Protein context (NP_005867.3, residues 184-204): QVSWWGSGQT[Val194Ile]LEQEAGSGGG

ClinVar aggregate classification (germline): Uncertain significance. Review status: criteria provided, multiple submitters, no conflicts (2 of 4 stars). 2 submissions from 2 submitters: Uncertain significance (2). Last evaluated 2025-10-14.

Conditions:
Inborn genetic diseases. Identifiers: MedGen C0950123, MeSH D030342.

gnomAD v4.1: 1 of 1,584,886 alleles (0.000063%); highest among the groups gnomAD compares: Non-Finnish European, 0.000086%; no homozygotes.

Submissions (2):

Ambry Genetics
Classification: Uncertain significance for Inborn genetic diseases. Last evaluated: 2025-10-14. Review status: criteria provided, single submitter. Criteria: Ambry Variant Classification Scheme 2023. Collection method: clinical testing. Allele origin: germline.

Labcorp Genetics (formerly Invitae), Labcorp
Classification: Uncertain significance. Last evaluated: 2024-11-05. Review status: criteria provided, single submitter. Criteria: Invitae Variant Classification Sherloc (09022015). Collection method: clinical testing. Allele origin: germline.
Comment: This sequence change replaces valine, which is neutral and non-polar, with isoleucine, which is neutral and non-polar, at codon 194 of the SPEG protein (p.Val194Ile). This variant is present in population databases (rs761581566, gnomAD 0.006%). This variant has not been reported in the literature in individuals affected with SPEG-related conditions. An algorithm developed to predict the effect of missense changes on protein structure and function (PolyPhen-2) suggests that this variant is likely to be tolerated. In summary, the available evidence is currently insufficient to determine the role of this variant in disease. Therefore, it has been classified as a Variant of Uncertain Significance.